The following is an entry in ClinVar:

NM_000059.4(BRCA2):c.7559G>C (p.Arg2520Pro)

Gene: BRCA2 (BRCA2 DNA repair associated; plus strand). Cytogenetic location: 13q13.1.
Variant type: single nucleotide variant.
Coding change: c.7559G>C on transcript NM_000059.4 (MANE Select); coding-DNA position 7559, G replaced by C.
Protein change: p.Arg2520Pro; replaces arginine 2520 with proline.
Molecular consequence: missense variant.
Genome position (GRCh38, 1-based): chr13:32,356,551, G>C. VCF-style: chr13-32356551-G-C. GRCh37 (hg19) VCF-style: chr13-32930688-G-C.
Other names: short protein forms R2520P.
Identifiers: ClinVar variation 135815 (VCV000135815.25), dbSNP rs80358982, ClinGen allele CA025148.

ClinVar aggregate classification (germline): Conflicting classifications of pathogenicity. Review status: criteria provided, conflicting classifications (1 of 4 stars). 6 submissions from 6 submitters: Uncertain significance (4); Likely benign (1). 1 of the submissions does not count toward it. Last evaluated 2026-01-13.

Conditions:
Hereditary cancer-predisposing syndrome. Also called: Tumor predisposition; Hereditary neoplastic syndrome; Neoplastic Syndromes, Hereditary; Hereditary Cancer Syndrome. Identifiers: Orphanet 140162, MedGen C0027672, MeSH D009386, MONDO:0015356.
Hereditary breast ovarian cancer syndrome. Also called: Hereditary breast and ovarian cancer; Breast and ovarian cancer; Hereditary breast and ovarian cancer syndrome (HBOC); Hereditary breast and/or ovarian cancer syndrome; Hereditary breast and ovarian cancer syndrome; BRCA1- and BRCA2-Associated Hereditary Breast and Ovarian Cancer. Identifiers: Orphanet 145, MedGen C0677776, MeSH D061325, MONDO:0003582. Disease mechanism: loss of function.

gnomAD v4.1: 3 of 1,614,152 alleles (0.00019%); highest among the groups gnomAD compares: Non-Finnish European, 0.00025%; no homozygotes.

Submissions (6):

Labcorp Genetics (formerly Invitae), Labcorp
Classification: Uncertain significance for Hereditary breast ovarian cancer syndrome. Last evaluated: 2026-01-13. Review status: criteria provided, single submitter. Criteria: Invitae Variant Classification Sherloc (09022015). Collection method: clinical testing. Allele origin: germline.
Comment: This sequence change replaces arginine, which is basic and polar, with proline, which is neutral and non-polar, at codon 2520 of the BRCA2 protein (p.Arg2520Pro). This variant is present in population databases (rs80358982, gnomAD 0.0009%). This missense change has been observed in individual(s) with breast cancer, kidney cancer, and/or kidney renal clear cell carcinoma (PMID: 29484706, 29625052, 36451132). ClinVar contains an entry for this variant (Variation ID: 135815). Invitae Evidence Modeling of protein sequence and biophysical properties (such as structural, functional, and spatial information, amino acid conservation, physicochemical variation, residue mobility, and thermodynamic stability) indicates that this missense variant is not expected to disrupt BRCA2 protein function with a negative predictive value of 95%. Experimental studies have shown that this missense change does not substantially affect BRCA2 function (PMID: 35736817). In summary, the available evidence is currently insufficient to determine the role of this variant in disease. Therefore, it has been classified as a Variant of Uncertain Significance.

Color Diagnostics, LLC DBA Color Health
Classification: Uncertain significance for Hereditary cancer-predisposing syndrome. Last evaluated: 2022-12-22. Review status: criteria provided, single submitter. Criteria: ACMG Guidelines, 2015. Collection method: clinical testing. Allele origin: germline.
Comment: This missense variant replaces arginine with proline at codon 2520 of the BRCA2 protein. Computational prediction suggests that this variant may have deleterious impact on protein structure and function (internally defined REVEL score threshold >= 0.7, PMID: 27666373). A functional study has shown that this variant does not impact homology-directed DNA repair activity (PMID: 35736817). This variant has been reported in one individual affected with breast cancer and one individual affected with kidney cancer (PMID: 26689913, 29484706). This variant has been identified in 1/245866 chromosomes in the general population by the Genome Aggregation Database (gnomAD). The available evidence is insufficient to determine the role of this variant in disease conclusively. Therefore, this variant is classified as a Variant of Uncertain Significance.

Ambry Genetics
Classification: Likely benign for Hereditary cancer-predisposing syndrome. Last evaluated: 2022-01-04. Review status: criteria provided, single submitter. Criteria: Ambry Variant Classification Scheme 2023. Collection method: clinical testing. Allele origin: germline.

Quest Diagnostics Nichols Institute San Juan Capistrano
Classification: Uncertain significance. Last evaluated: 2019-04-19. Review status: criteria provided, single submitter. Criteria: Quest Diagnostics criteria. Collection method: clinical testing. Allele origin: germline.

GeneDx
Classification: Uncertain significance. Last evaluated: 2017-04-13. Review status: criteria provided, single submitter. Criteria: GeneDx Variant Classification (06012015). Collection method: clinical testing. Allele origin: germline. Affected: yes.
Comment: This variant is denoted BRCA2 c.7559G>C at the cDNA level, p.Arg2520Pro (R2520P) at the protein level, and results in the change of an Arginine to a Proline (CGA>CCA). Using alternate nomenclature, this variant would be defined as BRCA2 7787G>C. This variant has been observed in at least one individual with kidney cancer (Lu 2015). BRCA2 Arg2520Pro was not observed in approximately 6,500 individuals of European and African American ancestry in the NHLBI Exome Sequencing Project, suggesting it is not a common benign variant in these populations. Since Arginine and Proline differ in polarity, charge, size or other properties, this is considered a non-conservative amino acid substitution. BRCA2 Arg2520Pro occurs at a position where amino acids with properties similar to Arginine are tolerated across species and is located within the DNA binding domain and within a region that interacts with FANCD2 (Yang 2002, UniProt). In silico analyses are inconsistent regarding the effect this variant may have on protein structure and function. Based on currently available information, it is unclear whether BRCA2 Arg2520Pro is pathogenic or benign. We consider it to be a variant of uncertain significance.

King Laboratory, University of Washington
Classification: Benign. Last evaluated: 2019-09-01. Review status: no assertion criteria provided. Collection method: research. Allele origin: germline. Affected: yes. Not counted in ClinVar's aggregate classification.
Comment: Transcript analysis by cBROCA

Literature cited by the submitters: PubMed 29484706 (cited by Labcorp Genetics (formerly Invitae), Labcorp and Color Diagnostics, LLC DBA Color Health); PubMed 29625052 (cited by Labcorp Genetics (formerly Invitae), Labcorp); PubMed 36451132 (cited by Labcorp Genetics (formerly Invitae), Labcorp); PubMed 35736817 (cited by Labcorp Genetics (formerly Invitae), Labcorp and Color Diagnostics, LLC DBA Color Health); PubMed 26689913 (cited by Color Diagnostics, LLC DBA Color Health and Quest Diagnostics Nichols Institute San Juan Capistrano); PubMed 29684080 (cited by Ambry Genetics); PubMed 31843900 (cited by Ambry Genetics and King Laboratory, University of Washington).